The following is an entry in ClinVar:

NM_000059.4(BRCA2):c.9217G>A (p.Asp3073Asn)

Gene: BRCA2 (BRCA2 DNA repair associated; plus strand). Cytogenetic location: 13q13.1.
Variant type: single nucleotide variant.
Coding change: c.9217G>A on transcript NM_000059.4 (MANE Select); coding-DNA position 9217, G replaced by A.
Protein change: p.Asp3073Asn; replaces aspartic acid 3073 with asparagine.
Molecular consequence: missense variant. On other transcripts: non-coding transcript variant (1).
Genome position (GRCh38, 1-based): chr13:32,380,106, G>A. VCF-style: chr13-32380106-G-A. GRCh37 (hg19) VCF-style: chr13-32954243-G-A.
Other names: c.9121G>A, p.Asp3041Asn (NM_001406719.1); c.9166G>A, p.Asp3056Asn (NM_001406720.1); c.4285G>A, p.Asp1429Asn (NM_001406721.1); c.2800G>A, p.Asp934Asn (NM_001406722.1); c.9217G>A, p.Asp3073Asn (NM_001432077.1); short protein forms D3073N, D3041N, D1429N, D934N, D3056N.
Identifiers: ClinVar variation 3690696 (VCV003690696.3).

ClinVar aggregate classification (germline): Uncertain significance. Review status: criteria provided, multiple submitters, no conflicts (2 of 4 stars). 2 submissions from 2 submitters: Uncertain significance (2). Last evaluated 2025-05-16.

Conditions:
Hereditary breast ovarian cancer syndrome. Also called: Hereditary breast and ovarian cancer syndrome (HBOC); BRCA1- and BRCA2-Associated Hereditary Breast and Ovarian Cancer; Breast and ovarian cancer; Hereditary breast and ovarian cancer; Hereditary breast and ovarian cancer syndrome; Hereditary breast and/or ovarian cancer syndrome. Identifiers: Orphanet 145, MedGen C0677776, MeSH D061325, MONDO:0003582. Disease mechanism: loss of function.

Submissions (2):

Quest Diagnostics Nichols Institute San Juan Capistrano
Classification: Uncertain significance. Last evaluated: 2025-05-16. Review status: criteria provided, single submitter. Criteria: Quest Diagnostics criteria. Collection method: clinical testing. Allele origin: unknown.
Comment: The BRCA2 c.9217G>A (p.Asp3073Asn) variant has been reported in the published literature and the effect of this variant on cell growth was examined (PMID: 39779848 (2025), 39779857 (2025)), however, further research is needed. This variant has not been reported in large, multi-ethnic general populations (Genome Aggregation Database). Analysis of this variant using bioinformatics tools for the prediction of the effect of amino acid changes on protein structure and function yielded conflicting predictions that this variant is benign or damaging. Based on the available information, we are unable to determine the clinical significance of this variant.

Labcorp Genetics (formerly Invitae), Labcorp
Classification: Uncertain significance for Hereditary breast ovarian cancer syndrome. Last evaluated: 2024-03-10. Review status: criteria provided, single submitter. Criteria: Invitae Variant Classification Sherloc (09022015). Collection method: clinical testing. Allele origin: germline.
Comment: This sequence change replaces aspartic acid, which is acidic and polar, with asparagine, which is neutral and polar, at codon 3073 of the BRCA2 protein (p.Asp3073Asn). This variant is not present in population databases (gnomAD no frequency). This variant has not been reported in the literature in individuals affected with BRCA2-related conditions. Advanced modeling of protein sequence and biophysical properties (such as structural, functional, and spatial information, amino acid conservation, physicochemical variation, residue mobility, and thermodynamic stability) has been performed at Invitae for this missense variant, however the output from this modeling did not meet the statistical confidence thresholds required to predict the impact of this variant on BRCA2 protein function. In summary, the available evidence is currently insufficient to determine the role of this variant in disease. Therefore, it has been classified as a Variant of Uncertain Significance.

Literature cited by the submitters: PubMed 39779848 (cited by Quest Diagnostics Nichols Institute San Juan Capistrano); PubMed 31570282 (cited by Quest Diagnostics Nichols Institute San Juan Capistrano); PubMed 39779857 (cited by Quest Diagnostics Nichols Institute San Juan Capistrano).